The following is an entry in ClinVar:

ClinVar aggregate classification (germline): Benign/Likely benign. Review status: criteria provided, multiple submitters, no conflicts (2 of 4 stars). 4 submissions from 4 submitters: Benign (1); Likely benign (3). Last evaluated 2025-06-17.

Allele frequency attached by ClinVar (database versions not stated): 1000 Genomes Project 0.00020; 1000 Genomes Project 30x 0.00031; ESP Exome Variant Server 0.00054; gnomAD 0.00056 and 0.00058; TOPMed 0.00057.
gnomAD v4.1: 1,487 of 1,612,192 alleles (0.092%); highest among the groups gnomAD compares: Non-Finnish European, 0.11%; 3 homozygotes.

Submissions (4):

Mayo Clinic Laboratories, Mayo Clinic
Classification: Likely benign. Last evaluated: 2025-06-17. Review status: criteria provided, single submitter. Criteria: ACMG Guidelines, 2015. Collection method: clinical testing. Allele origin: germline. Observed: 1 variant allele.
Comment: BS1, BP4, BP7

Blueprint Genetics
Classification: Likely benign. Last evaluated: 2024-11-07. Review status: criteria provided, single submitter. Criteria: ACMG Guidelines, 2015. Collection method: clinical testing. Allele origin: germline.

CeGaT Center for Human Genetics Tuebingen
Classification: Likely benign. Last evaluated: 2024-11-01. Review status: criteria provided, single submitter. Criteria: CeGaT Center For Human Genetics Tuebingen Variant Classification Criteria Version 2. Collection method: clinical testing. Allele origin: germline. Affected: yes. Observed: 4 variant alleles.
Comment: WDR81: BP4, BP7

Labcorp Genetics (formerly Invitae), Labcorp
Classification: Benign. Last evaluated: 2019-12-31. Review status: criteria provided, single submitter. Criteria: Invitae Variant Classification Sherloc (09022015). Collection method: clinical testing. Allele origin: germline.

NM_001163809.2(WDR81):c.5205G>A (p.Pro1735=)

Gene: WDR81 (WD repeat domain 81; plus strand). Cytogenetic location: 17p13.3.
Variant type: single nucleotide variant.
Coding change: c.5205G>A on transcript NM_001163809.2 (MANE Select); coding-DNA position 5205, G replaced by A.
Protein change: p.Pro1735=; no amino-acid change (proline 1735 retained).
Molecular consequence: synonymous variant.
Genome position (GRCh38, 1-based): chr17:1,735,597, G>A. VCF-style: chr17-1735597-G-A. GRCh37 (hg19) VCF-style: chr17-1638891-G-A.
Other names: p.Pro1735=; c.1596G>A, p.Pro532= (NM_001163673.2); c.1524G>A, p.Pro508= (NM_001163811.2); c.2052G>A, p.Pro684= (NM_152348.4).
Identifiers: ClinVar variation 738586 (VCV000738586.40), dbSNP rs148281999, ClinGen allele CA8273800.